The following is an entry in ClinVar:

NM_005733.3(KIF20A):c.1535C>T (p.Pro512Leu)

Gene: KIF20A (kinesin family member 20A; plus strand). Cytogenetic location: 5q31.2.
Variant type: single nucleotide variant.
Coding change: c.1535C>T on transcript NM_005733.3 (MANE Select); coding-DNA position 1535, C replaced by T.
Protein change: p.Pro512Leu; replaces proline 512 with leucine.
Molecular consequence: missense variant.
Genome position (GRCh38, 1-based): chr5:138,184,528, C>T. VCF-style: chr5-138184528-C-T. GRCh37 (hg19) VCF-style: chr5-137520217-C-T.
Other names: short protein forms P512L.
Identifiers: ClinVar variation 4762669 (VCV004762669.1).
Genomic context (GRCh38, chr5:138,184,528, plus strand): 5'-GGGACTACTTATGGAGTCAAGTAAGATATTTTTTTTCCCTCTAGCTTGTGCATGCCCCAC[C>T]TATGCAACTGGGATTCCCATCCCTGCACTCGTTCATCAAGGAACATAGTCTTCAGGTATC-3'
Protein context (NP_005724.1, residues 502-522): AIASQLVHAP[Pro512Leu]MQLGFPSLHS

ClinVar aggregate classification (germline): Uncertain significance (1 of 4 stars; one submission).

Submission:

Labcorp Genetics (formerly Invitae), Labcorp
Classification: Uncertain significance. Last evaluated: 2025-09-02. Review status: criteria provided, single submitter. Criteria: Invitae Variant Classification Sherloc (09022015). Collection method: clinical testing. Allele origin: germline.
Comment: This sequence change replaces proline, which is neutral and non-polar, with leucine, which is neutral and non-polar, at codon 512 of the KIF20A protein (p.Pro512Leu). This variant is not present in population databases (gnomAD no frequency). This variant has not been reported in the literature in individuals affected with KIF20A-related conditions. An algorithm developed to predict the effect of missense changes on protein structure and function (PolyPhen-2) suggests that this variant is likely to be tolerated. In summary, the available evidence is currently insufficient to determine the role of this variant in disease. Therefore, it has been classified as a Variant of Uncertain Significance.